The following is an entry in ClinVar:

ClinVar aggregate classification (germline): Uncertain significance (1 of 4 stars; one submission).

gnomAD v4.1: 2 of 1,613,498 alleles (0.00012%); highest among the groups gnomAD compares: African/African-American, 0.0013%; no homozygotes.

Submission:

Women's Health and Genetics/Laboratory Corporation of America, LabCorp
Classification: Uncertain significance. Last evaluated: 2025-01-30. Review status: criteria provided, single submitter. Criteria: LabCorp Variant Classification Summary - May 2015. Collection method: clinical testing. Allele origin: germline.
Comment: Variant summary: SLC45A2 c.172C>G (p.Pro58Ala) results in a non-conservative amino acid change located in the MFS general substrate transporter domain (IPR036259) of the encoded protein sequence. Five of five in-silico tools predict a damaging effect of the variant on protein function. The variant allele was found at a frequency of 4e-06 in 248664 control chromosomes. The available data on variant occurrences in the general population are insufficient to allow any conclusion about variant significance. c.172C>G has been reported in the literature in at least one compound heterozygous individual affected with Oculocutaneous albinism type 4 (e.g. Rundshagen_2004). These data do not allow any conclusion about variant significance. To our knowledge, no experimental evidence demonstrating an impact on protein function has been reported. The following publication has been ascertained in the context of this evaluation (PMID: 14722913). No submitters have cited clinical-significance assessments for this variant to ClinVar. Based on the evidence outlined above, the variant was classified as uncertain significance.

Literature cited by the submitters: PubMed 14722913.

NM_016180.5(SLC45A2):c.172C>G (p.Pro58Ala)

Gene: SLC45A2 (solute carrier family 45 member 2; minus strand). Cytogenetic location: 5p13.2.
Variant type: single nucleotide variant.
Coding change: c.172C>G on transcript NM_016180.5 (MANE Select); coding-DNA position 172, C replaced by G.
Protein change: p.Pro58Ala; replaces proline 58 with alanine.
Molecular consequence: missense variant.
Genome position (GRCh38, 1-based): chr5:33,984,412, G>C on the plus strand (C>G on the coding strand, the complement: SLC45A2 is on the minus strand). VCF-style: chr5-33984412-G-C. GRCh37 (hg19) VCF-style: chr5-33984517-G-C.
Other names: c.172C>G, p.Pro58Ala (NM_001012509.4, NM_001297417.4); short protein forms P58A.
Identifiers: ClinVar variation 3769086 (VCV003769086.2).